The following is an entry in ClinVar:

NM_001377405.1(ATXN7):c.2119C>A (p.Arg707Ser)

Gene: ATXN7 (ataxin 7; plus strand). Cytogenetic location: 3p14.1.
Variant type: single nucleotide variant.
Coding change: c.2119C>A on transcript NM_001377405.1 (MANE Select); coding-DNA position 2119, C replaced by A.
Protein change: p.Arg707Ser; replaces arginine 707 with serine.
Molecular consequence: missense variant.
Genome position (GRCh38, 1-based): chr3:63,995,941, C>A. VCF-style: chr3-63995941-C-A. GRCh37 (hg19) VCF-style: chr3-63981617-C-A.
Other names: c.2119C>A, p.Arg707Ser (NM_000333.4, NM_001177387.1, NM_001377406.1); c.1684C>A, p.Arg562Ser (NM_001128149.3); short protein forms R562S, R707S.
Identifiers: ClinVar variation 1676280 (VCV001676280.3), dbSNP rs1337758154, ClinGen allele CA353436699.

ClinVar aggregate classification (germline): Likely pathogenic (0 of 4 stars; one submission).

Conditions:
Tip-toe gait. Also called: Toe walking. Identifiers: MedGen C0427144, HP:0030051.

gnomAD v4.1: 7 of 1,614,160 alleles (0.00043%); highest among the groups gnomAD compares: South Asian, 0.0077%; 1 homozygote.

Submission:

Practice for Gait Abnormalities, David Pomarino, Competency Network Toe Walking C/o Practice Pomarino
Classification: Likely pathogenic for Tip-toe gait. Review status: no assertion criteria provided. Collection method: clinical testing. Allele origin: germline. Affected: yes.
Comment: Hereditary motor sensory neuropathy (HMSN), also known as Charcot-Marie-Tooth Disease (CMT), is the most commonly inherited peripheral polyneuropathy. It constitutes a group of inherited, progressive, motor and sensory peripheral nerve disorders with properties of demyelination, axonal degeneration, or both. It is classified by clinical characteristics, modes of inheritance, electrophysiologic features, metabolic defects, and specific gene markers. Our patients all walk on tiptoe, so they show similar symptoms. When we genetically test them with our toe walking panel, we find that around 90 per cent of them have a genetic variant that explains their toe walking. These can be assigned, for example, to the area of myopathies (such as variants of the COL6A3 gene), the area of hereditary neuropathies (such as variants of the KMT2C gene) or the area of metabolic diseases (such as variants of the PYGM gene). In a smaller group of patients with almost identical symptoms, no abnormality is found in the genes of our panel, but spastic paraplegia can be detected. In another small group of our toe walkers, no abnormalities can be detected in the genes analysed in our toe walking panel, nor do they suffer from spastic paraplegia, as is also the case with healthy children. In contrast to these, however, they show a tiptoe gait. These patients suffer from infantile cerebral palsy, in which toe walking can also be observed.

Literature cited by the submitters: PubMed 37091313.